The following is an entry in ClinVar:

ClinVar aggregate classification (germline): Uncertain significance (1 of 4 stars; one submission).

Conditions:
Isolated microphthalmia 2. Identifiers: Orphanet 2542, MedGen C1864720, MONDO:0012409, OMIM 610093.

Submission:

Labcorp Genetics (formerly Invitae), Labcorp
Classification: Uncertain significance for Isolated microphthalmia 2. Last evaluated: 2024-02-24. Review status: criteria provided, single submitter. Criteria: Invitae Variant Classification Sherloc (09022015). Collection method: clinical testing. Allele origin: germline.
Comment: This sequence change replaces lysine, which is basic and polar, with glutamic acid, which is acidic and polar, at codon 137 of the VSX2 protein (p.Lys137Glu). This variant is not present in population databases (gnomAD no frequency). This variant has not been reported in the literature in individuals affected with VSX2-related conditions. ClinVar contains an entry for this variant (Variation ID: 1932659). Advanced modeling of protein sequence and biophysical properties (such as structural, functional, and spatial information, amino acid conservation, physicochemical variation, residue mobility, and thermodynamic stability) performed at Invitae indicates that this missense variant is not expected to disrupt VSX2 protein function with a negative predictive value of 80%. In summary, the available evidence is currently insufficient to determine the role of this variant in disease. Therefore, it has been classified as a Variant of Uncertain Significance.

NM_182894.3(VSX2):c.409A>G (p.Lys137Glu)

Gene: VSX2 (visual system homeobox 2; plus strand). Cytogenetic location: 14q24.3.
Variant type: single nucleotide variant.
Coding change: c.409A>G on transcript NM_182894.3 (MANE Select); coding-DNA position 409, A replaced by G.
Protein change: p.Lys137Glu; replaces lysine 137 with glutamic acid.
Molecular consequence: missense variant.
Genome position (GRCh38, 1-based): chr14:74,241,220, A>G. VCF-style: chr14-74241220-A-G. GRCh37 (hg19) VCF-style: chr14-74707923-A-G.
Other names: short protein forms K137E.
Identifiers: ClinVar variation 1932659 (VCV001932659.5), dbSNP rs2504948583, ClinGen allele CA390361473.
Genomic context (GRCh38, chr14:74,241,220, plus strand): 5'-TGTCCCTACGCCCGCTTTTCAGATTCTGAAGATGTTTCCTCCAGCGATCGAAAAATGTCC[A>G]AATCTGCTTTAAACCAGACCAAGAAACGGAAGAAGCGGCGACACAGGTGAGGCCCCCGCT-3'
Protein context (NP_878314.1, residues 127-147): DVSSSDRKMS[Lys137Glu]SALNQTKKRK